The following is an entry in ClinVar:

NM_001130004.2(ACTN1):c.1760C>T (p.Ala587Val)

Gene: ACTN1 (actinin alpha 1; minus strand). Cytogenetic location: 14q24.1.
Variant type: single nucleotide variant.
Coding change: c.1760C>T on transcript NM_001130004.2 (MANE Select); coding-DNA position 1760, C replaced by T.
Protein change: p.Ala587Val; replaces alanine 587 with valine.
Molecular consequence: missense variant. On other transcripts: intron variant (5).
Genome position (GRCh38, 1-based): chr14:68,882,931, G>A on the plus strand (C>T on the coding strand, the complement: ACTN1 is on the minus strand). VCF-style: chr14-68882931-G-A. GRCh37 (hg19) VCF-style: chr14-69349648-G-A.
Other names: c.1760C>T, p.Ala587Val (NM_001102.4, NM_001130005.2, NM_001424012.1 and 2 more transcripts); c.1784C>T, p.Ala595Val (NM_001411035.1, NM_001424016.1); c.1565C>T, p.Ala522Val (NM_001411036.1, NM_001424026.1, NM_001424028.1); c.1886C>T, p.Ala629Val (NM_001424013.1); c.1847C>T, p.Ala616Val (NM_001424015.1); c.1757C>T, p.Ala586Val (NM_001424017.1); c.1721C>T, p.Ala574Val (NM_001424018.1); c.1697C>T, p.Ala566Val (NM_001424020.1, NM_001424022.1); and 3 more; short protein forms A522V, A595V, A616V, A312V, A586V, A564V, A566V, A574V.
Identifiers: ClinVar variation 2700088 (VCV002700088.4), dbSNP rs555037578, ClinGen allele CA7242286.

ClinVar aggregate classification (germline): Uncertain significance. Review status: criteria provided, single submitter (1 of 4 stars). 2 submissions from 2 submitters: Uncertain significance (1). 1 of the submissions does not count toward it. Last evaluated 2024-05-01.

Conditions:
ACTN1-related disorder. Also called: ACTN1-related condition.

Allele frequency attached by ClinVar (database versions not stated): ExAC 0.00004; gnomAD exomes 0.00004; gnomAD 0.00005; TOPMed 0.00005.
gnomAD v4.1: 66 of 1,614,010 alleles (0.0041%); highest among the groups gnomAD compares: Admixed American, 0.012%; no homozygotes.

Submissions (2):

Labcorp Genetics (formerly Invitae), Labcorp
Classification: Uncertain significance. Last evaluated: 2024-05-01. Review status: criteria provided, single submitter. Criteria: Invitae Variant Classification Sherloc (09022015). Collection method: clinical testing. Allele origin: germline.
Comment: This sequence change replaces alanine, which is neutral and non-polar, with valine, which is neutral and non-polar, at codon 587 of the ACTN1 protein (p.Ala587Val). This variant is present in population databases (rs555037578, gnomAD 0.02%). This missense change has been observed in individual(s) with ACTN1-related conditions (PMID: 25949529). An algorithm developed to predict the effect of missense changes on protein structure and function (PolyPhen-2) suggests that this variant is likely to be tolerated. In summary, the available evidence is currently insufficient to determine the role of this variant in disease. Therefore, it has been classified as a Variant of Uncertain Significance.

PreventionGenetics, part of Exact Sciences
Classification: Uncertain significance for ACTN1-related condition. Last evaluated: 2024-03-05. Review status: no assertion criteria provided. Collection method: clinical testing. Allele origin: germline. Not counted in ClinVar's aggregate classification.
Comment: The ACTN1 c.1760C>T variant is predicted to result in the amino acid substitution p.Ala587Val. This variant was reported in an individual with macrothrombocytopenia (Westbury et al. 2015. PubMed ID: 25949529). This variant is reported in 0.020% of alleles in individuals of Latino descent in gnomAD. At this time, the clinical significance of this variant is uncertain due to the absence of conclusive functional and genetic evidence.

Literature cited by the submitters: PubMed 25949529 (cited by Labcorp Genetics (formerly Invitae), Labcorp).